The following is an entry in ClinVar:

NM_022489.4(INF2):c.1268C>A (p.Pro423Gln)

Gene: INF2 (inverted formin 2; plus strand). Cytogenetic location: 14q32.33.
Variant type: single nucleotide variant.
Coding change: c.1268C>A on transcript NM_022489.4 (MANE Select); coding-DNA position 1268, C replaced by A.
Protein change: p.Pro423Gln; replaces proline 423 with glutamine.
Molecular consequence: missense variant.
Genome position (GRCh38, 1-based): chr14:104,707,535, C>A. VCF-style: chr14-104707535-C-A. GRCh37 (hg19) VCF-style: chr14-105173872-C-A.
Other names: c.1268C>A, p.Pro423Gln (NM_001031714.4); short protein forms P423Q.
Identifiers: ClinVar variation 2051958 (VCV002051958.5), dbSNP rs1263040681, ClinGen allele CA391216400.

ClinVar aggregate classification (germline): Uncertain significance. Review status: criteria provided, multiple submitters, no conflicts (2 of 4 stars). 2 submissions from 2 submitters: Uncertain significance (2). Last evaluated 2024-04-07.

Conditions:
Charcot-Marie-Tooth disease dominant intermediate E. Also called: CHARCOT-MARIE-TOOTH NEUROPATHY WITH FOCAL SEGMENTAL GLOMERULONEPHRITIS. Identifiers: Orphanet 93114, MedGen C4302667, MONDO:0013758, OMIM 614455.
Focal segmental glomerulosclerosis 5 (FSGS5). Identifiers: Orphanet 656, MedGen C2750475, MONDO:0013191, OMIM 613237.

Allele frequency attached by ClinVar (database versions not stated): gnomAD 0.00002.

Submissions (2):

Fulgent Genetics
Classification: Uncertain significance for Focal segmental glomerulosclerosis 5; Charcot-Marie-Tooth disease dominant intermediate E. Last evaluated: 2024-04-07. Review status: criteria provided, single submitter. Criteria: ACMG Guidelines, 2015. Collection method: clinical testing. Allele origin: germline.

Labcorp Genetics (formerly Invitae), Labcorp
Classification: Uncertain significance for Charcot-Marie-Tooth disease dominant intermediate E; Focal segmental glomerulosclerosis 5. Last evaluated: 2022-10-03. Review status: criteria provided, single submitter. Criteria: Invitae Variant Classification Sherloc (09022015). Collection method: clinical testing. Allele origin: germline.
Comment: In summary, the available evidence is currently insufficient to determine the role of this variant in disease. Therefore, it has been classified as a Variant of Uncertain Significance. Advanced modeling of protein sequence and biophysical properties (such as structural, functional, and spatial information, amino acid conservation, physicochemical variation, residue mobility, and thermodynamic stability) performed at Invitae indicates that this missense variant is not expected to disrupt INF2 protein function. This variant has not been reported in the literature in individuals affected with INF2-related conditions. This variant is not present in population databases (gnomAD no frequency). This sequence change replaces proline, which is neutral and non-polar, with glutamine, which is neutral and polar, at codon 423 of the INF2 protein (p.Pro423Gln).